The following is an entry in ClinVar:

NM_002458.3(MUC5B):c.8553G>A (p.Ser2851=)

Genes: MUC5B (mucin 5B, oligomeric mucus/gel-forming; plus strand), MUC5B-AS1 (MUC5B antisense RNA 1; minus strand). Cytogenetic location: 11p15.5.
Variant type: single nucleotide variant.
Coding change: c.8553G>A on transcript NM_002458.3 (MANE Select); coding-DNA position 8553, G replaced by A.
Protein change: p.Ser2851=; no amino-acid change (serine 2851 retained).
Molecular consequence: synonymous variant.
Genome position (GRCh38, 1-based): chr11:1,245,433, G>A. VCF-style: chr11-1245433-G-A. GRCh37 (hg19) VCF-style: chr11-1266663-G-A.
Identifiers: ClinVar variation 3905951 (VCV003905951.10).
Genomic context (GRCh38, chr11:1,245,433, plus strand): 5'-CCACACCAGGGCCACCTCCAGGACCACGGCCACGGCCACACCCAGCAAGACCCGCACCTC[G>A]ACCCTGCTGCCCAGCAGCCCCACATCGGCCCCAATAACCACGGTGGTGACCATGGGCTGT-3'
Protein context (NP_002449.2, residues 2841-2861): ATATPSKTRT[Ser2851=]TLLPSSPTSA

ClinVar aggregate classification (germline): Likely benign (1 of 4 stars; one submission).

Submission:

CeGaT Center for Human Genetics Tuebingen
Classification: Likely benign. Last evaluated: 2025-05-01. Review status: criteria provided, single submitter. Criteria: CeGaT Center For Human Genetics Tuebingen Variant Classification Criteria Version 2. Collection method: clinical testing. Allele origin: germline. Affected: yes. Observed: 1 variant allele.
Comment: MUC5B: BP4, BP7